The following is an entry in ClinVar:

NM_006158.5(NEFL):c.270G>C (p.Glu90Asp)

Gene: NEFL (neurofilament light chain; minus strand). Cytogenetic location: 8p21.2.
Variant type: single nucleotide variant.
Coding change: c.270G>C on transcript NM_006158.5 (MANE Select); coding-DNA position 270, G replaced by C.
Protein change: p.Glu90Asp; replaces glutamic acid 90 with aspartic acid.
Molecular consequence: missense variant.
Genome position (GRCh38, 1-based): chr8:24,956,246, C>G on the plus strand (G>C on the coding strand, the complement: NEFL is on the minus strand). VCF-style: chr8-24956246-C-G. GRCh37 (hg19) VCF-style: chr8-24813760-C-G.
Other names: short protein forms E90D.
Identifiers: ClinVar variation 533516 (VCV000533516.9), dbSNP rs767370918, ClinGen allele CA4681526.
Genomic context (GRCh38, chr8:24,956,246, plus strand): 5'-CTCGTGCACGCGCTCGATGAAGCTGGCGAAGCGGTCATTGAGGTCCTGGAGCTGCGCCTT[C>G]TCCTGCGTGCGGATGGACTTGAGGTCGTTGCTGATGGCGGCTACCTGGCTCAGGTCGAGG-3'
Protein context (NP_006149.2, residues 80-100): SNDLKSIRTQ[Glu90Asp]KAQLQDLNDR

ClinVar aggregate classification (germline): Uncertain significance. Review status: criteria provided, multiple submitters, no conflicts (2 of 4 stars). 2 submissions from 2 submitters: Uncertain significance (2). Last evaluated 2023-12-01.

Conditions:
Inborn genetic diseases. Identifiers: MedGen C0950123, MeSH D030342.
Charcot-Marie-Tooth disease type 2E (CMT2E). Also called: CHARCOT-MARIE-TOOTH DISEASE, AXONAL, TYPE 2E; CHARCOT-MARIE-TOOTH NEUROPATHY, TYPE 2E. Identifiers: Orphanet 99939, MedGen C1843225, MONDO:0011894, OMIM 607684.

Allele frequency attached by ClinVar (database versions not stated): gnomAD exomes below 0.00001; ExAC 0.00001; gnomAD 0.00001; TOPMed 0.00001.
gnomAD v4.1: 7 of 1,611,986 alleles (0.00043%); highest among the groups gnomAD compares: Non-Finnish European, 0.00059%; no homozygotes.

Submissions (2):

Labcorp Genetics (formerly Invitae), Labcorp
Classification: Uncertain significance for Charcot-Marie-Tooth disease type 2E. Last evaluated: 2023-12-01. Review status: criteria provided, single submitter. Criteria: Invitae Variant Classification Sherloc (09022015). Collection method: clinical testing. Allele origin: germline.
Comment: This sequence change replaces glutamic acid, which is acidic and polar, with aspartic acid, which is acidic and polar, at codon 90 of the NEFL protein (p.Glu90Asp). This variant is present in population databases (rs767370918, gnomAD 0.0009%). This variant has not been reported in the literature in individuals affected with NEFL-related conditions. ClinVar contains an entry for this variant (Variation ID: 533516). Advanced modeling of protein sequence and biophysical properties (such as structural, functional, and spatial information, amino acid conservation, physicochemical variation, residue mobility, and thermodynamic stability) performed at Invitae indicates that this missense variant is expected to disrupt NEFL protein function with a positive predictive value of 80%. This variant disrupts the p.Glu90 amino acid residue in NEFL. Other variant(s) that disrupt this residue have been determined to be pathogenic (PMID: 12566280, 19158810). This suggests that this residue is clinically significant, and that variants that disrupt this residue are likely to be disease-causing. In summary, the available evidence is currently insufficient to determine the role of this variant in disease. Therefore, it has been classified as a Variant of Uncertain Significance.

Ambry Genetics
Classification: Uncertain significance for Inborn genetic diseases. Last evaluated: 2021-11-09. Review status: criteria provided, single submitter. Criteria: Ambry Variant Classification Scheme 2023. Collection method: clinical testing. Allele origin: germline.
Comment: The p.E90D variant (also known as c.270G>C), located in coding exon 1 of the NEFL gene, results from a G to C substitution at nucleotide position 270. The glutamic acid at codon 90 is replaced by aspartic acid, an amino acid with highly similar properties. This amino acid position is conserved. In addition, this alteration is predicted to be deleterious by in silico analysis. Since supporting evidence is limited at this time, the clinical significance of this alteration remains unclear.

Literature cited by the submitters: PubMed 12566280 (cited by Labcorp Genetics (formerly Invitae), Labcorp); PubMed 19158810 (cited by Labcorp Genetics (formerly Invitae), Labcorp).